The following is an entry in ClinVar:

ClinVar aggregate classification (germline): Pathogenic/Likely pathogenic. Review status: criteria provided, multiple submitters, no conflicts (2 of 4 stars). 2 submissions from 2 submitters: Pathogenic (1); Likely pathogenic (1). Last evaluated 2023-12-22.

Conditions:
Maple syrup urine disease type 1B (MSUD1B). Also called: MSUD type IB; MSUD type 3 (formerly); MSUD due to deficiency of e1-beta subunit of branched-chain alpha-keto acid dehydrogenase complex. Identifiers: MedGen C2930990, MONDO:0023692, OMIM 620698.
Maple syrup urine disease (MSUD). Identifiers: Orphanet 511, MedGen C0024776, MeSH D008375, MONDO:0009563. Disease mechanism: loss of function.

Submissions (2):

Fulgent Genetics
Classification: Likely pathogenic for Maple syrup urine disease type 1B. Last evaluated: 2023-12-22. Review status: criteria provided, single submitter. Criteria: ACMG Guidelines, 2015. Collection method: clinical testing. Allele origin: germline.

Labcorp Genetics (formerly Invitae), Labcorp
Classification: Pathogenic for Maple syrup urine disease. Last evaluated: 2017-09-17. Review status: criteria provided, single submitter. Criteria: Invitae Variant Classification Sherloc (09022015). Collection method: clinical testing. Allele origin: germline.
Comment: This variant has not been reported in the literature in individuals with BCKDHB-related disease. For these reasons, this variant has been classified as Pathogenic. Loss-of-function variants in BCKDHB are known to be pathogenic (PMID: 16786533, 22593002). This variant is not present in population databases (ExAC no frequency). This sequence change creates a premature translational stop signal (p.Glu239*) in the BCKDHB gene. It is expected to result in an absent or disrupted protein product.

Literature cited by the submitters: PubMed 16786533 (cited by Labcorp Genetics (formerly Invitae), Labcorp); PubMed 22593002 (cited by Labcorp Genetics (formerly Invitae), Labcorp).

NM_183050.4(BCKDHB):c.714dup (p.Glu239Ter)

Gene: BCKDHB (branched chain keto acid dehydrogenase E1 subunit beta; plus strand). Cytogenetic location: 6q14.1.
Variant type: Duplication.
Coding change: c.714dup on transcript NM_183050.4 (MANE Select); coding-DNA position 714, one base duplicated (T; older notation c.714dupT).
Protein change: p.Glu239Ter; replaces glutamic acid 239 with a stop codon.
Molecular consequence: nonsense. On other transcripts: non-coding transcript variant (1).
Genome position (GRCh38, 1-based): chr6:80,171,362, T duplicated; the last of 6 consecutive T bases (chr6:80,171,357-80,171,362); duplicating any one gives the same sequence. VCF-style (leftmost placement, unchanged base first): chr6-80171356-A-AT. GRCh37 (hg19) VCF-style: chr6-80881073-A-AT.
Other names: c.714dup, p.Glu239Ter (NM_000056.5); c.504dup, p.Glu169Ter (NM_001318975.1); short protein forms E239*, E169*.
Identifiers: ClinVar variation 527130 (VCV000527130.7), dbSNP rs1167005638, ClinGen allele CA568398910.